The following is an entry in ClinVar:

NM_002292.4(LAMB2):c.173G>A (p.Arg58Gln)

Gene: LAMB2 (laminin subunit beta 2; minus strand). Cytogenetic location: 3p21.31.
Variant type: single nucleotide variant.
Coding change: c.173G>A on transcript NM_002292.4 (MANE Select); coding-DNA position 173, G replaced by A.
Protein change: p.Arg58Gln; replaces arginine 58 with glutamine.
Molecular consequence: missense variant.
Genome position (GRCh38, 1-based): chr3:49,132,567, C>T on the plus strand (G>A on the coding strand, the complement: LAMB2 is on the minus strand). VCF-style: chr3-49132567-C-T. GRCh37 (hg19) VCF-style: chr3-49170000-C-T.
Other names: short protein forms R58Q.
Identifiers: ClinVar variation 1333375 (VCV001333375.2), dbSNP rs2107645705, ClinGen allele CA352755817.

ClinVar aggregate classification (germline): Uncertain significance. Review status: criteria provided, multiple submitters, no conflicts (2 of 4 stars). 2 submissions from 2 submitters: Uncertain significance (2). Last evaluated 2022-01-03.

Conditions:
LAMB2-related infantile-onset nephrotic syndrome. Also called: NEPHROTIC SYNDROME, TYPE 5, WITHOUT OCULAR ABNORMALITIES; NEPHROTIC SYNDROME, TYPE 5, WITH OCULAR ABNORMALITIES; Nephrotic Syndrome, type 5. Identifiers: Orphanet 306507, MedGen C3280113, MONDO:0013621, OMIM 614199.
Pierson syndrome. Also called: MICROCORIA-CONGENITAL NEPHROTIC SYNDROME. Identifiers: Orphanet 2670, MedGen C1836876, MONDO:0012184, OMIM 609049.

Allele frequency attached by ClinVar (database versions not stated): gnomAD exomes below 0.00001.
gnomAD v4.1: 3 of 1,613,722 alleles (0.00019%); highest among the groups gnomAD compares: African/African-American, 0.0013%; no homozygotes.

Submissions (2):

3billion
Classification: Uncertain significance for LAMB2-related infantile-onset nephrotic syndrome. Last evaluated: 2022-01-03. Review status: criteria provided, single submitter. Criteria: ACMG Guidelines, 2015. Collection method: clinical testing. Allele origin: germline. Affected: yes. Observed: 1 heterozygote.
Comment: The variant not observed in the gnomAD v2.1.1 dataset (PM2_M). In silico tool predictions suggest damaging effect of the variant on gene or gene product (REVEL: 0.756, PP3_P). Therefore, this variant is classified as uncertain significance according to the recommendation of ACMG/AMP guideline.

Fulgent Genetics
Classification: Uncertain significance for Pierson syndrome; LAMB2-related infantile-onset nephrotic syndrome. Last evaluated: 2021-12-07. Review status: criteria provided, single submitter. Criteria: ACMG Guidelines, 2015. Collection method: clinical testing. Allele origin: unknown.